The following is an entry in ClinVar:

ClinVar aggregate classification (germline): Uncertain significance (1 of 4 stars; one submission).

Submission:

Labcorp Genetics (formerly Invitae), Labcorp
Classification: Uncertain significance. Last evaluated: 2024-08-29. Review status: criteria provided, single submitter. Criteria: Invitae Variant Classification Sherloc (09022015). Collection method: clinical testing. Allele origin: germline.
Comment: This sequence change falls in intron 6 of the TRPV3 gene. It does not directly change the encoded amino acid sequence of the TRPV3 protein. Information on the frequency of this variant in the gnomAD database is not available, as this variant may be reported differently in the database. This variant has not been reported in the literature in individuals affected with TRPV3-related conditions. Experimental studies and prediction algorithms are not available or were not evaluated, and the effect of this variant on mRNA splicing is currently unknown. In summary, the available evidence is currently insufficient to determine the role of this variant in disease. Therefore, it has been classified as a Variant of Uncertain Significance.

NM_145068.4(TRPV3):c.644-13_644-12delinsAT

Gene: TRPV3 (transient receptor potential cation channel subfamily V member 3; minus strand). Cytogenetic location: 17p13.2.
Variant type: Indel.
Coding change: c.644-13_644-12delinsAT on transcript NM_145068.4 (MANE Select); 13 bases into the intron before coding-DNA position 644 through 12 bases into the intron before coding-DNA position 644, GC replaced by AT.
Molecular consequence: intron variant.
Genome position (GRCh38, 1-based): chr17:3,535,725-3,535,726, GC replaced by AT on the plus strand (GC replaced by AT on the coding strand, the reverse complement: TRPV3 is on the minus strand). VCF-style: chr17-3535725-GC-AT. GRCh37 (hg19) VCF-style: chr17-3439019-GC-AT.
Other names: c.644-13_644-12delinsAT (NM_001258205.2).
Identifiers: ClinVar variation 3670641 (VCV003670641.2).